The following is an entry in ClinVar:

ClinVar aggregate classification (germline): Uncertain significance (1 of 4 stars; one submission).

Conditions:
Cystic fibrosis (CF). Also called: MUCOVISCIDOSIS. Identifiers: Orphanet 586, MedGen C0010674, MONDO:0009061, OMIM 219700. Disease mechanism: loss of function.

Submission:

Ambry Genetics
Classification: Uncertain significance for Cystic fibrosis. Last evaluated: 2025-03-14. Review status: criteria provided, single submitter. Criteria: Ambry Variant Classification Scheme 2023. Collection method: clinical testing. Allele origin: germline.
Comment: The p.I125M variant (also known as c.375A>G), located in coding exon 4 of the CFTR gene, results from an A to G substitution at nucleotide position 375. The isoleucine at codon 125 is replaced by methionine, an amino acid with highly similar properties. This amino acid position is not well conserved in available vertebrate species. In addition, the in silico prediction for this alteration is inconclusive. Based on the available evidence, the clinical significance of this variant remains unclear.

NM_000492.4(CFTR):c.375A>G (p.Ile125Met)

Gene: CFTR (CF transmembrane conductance regulator; plus strand). Cytogenetic location: 7q31.2.
Variant type: single nucleotide variant.
Coding change: c.375A>G on transcript NM_000492.4 (MANE Select); coding-DNA position 375, A replaced by G.
Protein change: p.Ile125Met; replaces isoleucine 125 with methionine.
Molecular consequence: missense variant.
Genome position (GRCh38, 1-based): chr7:117,531,000, A>G. VCF-style: chr7-117531000-A-G. GRCh37 (hg19) VCF-style: chr7-117171054-A-G.
Other names: short protein forms I125M.
Identifiers: ClinVar variation 1734630 (VCV001734630.3), dbSNP rs2485009317, ClinGen allele CA368974522.